The following is an entry in ClinVar:

NM_001258392.3(CLPB):c.1976C>T (p.Thr659Ile)

Gene: CLPB (ClpB family mitochondrial disaggregase; minus strand). Cytogenetic location: 11q13.4.
Variant type: single nucleotide variant.
Coding change: c.1976C>T on transcript NM_001258392.3 (MANE Select); coding-DNA position 1976, C replaced by T.
Protein change: p.Thr659Ile; replaces threonine 659 with isoleucine.
Molecular consequence: missense variant.
Genome position (GRCh38, 1-based): chr11:72,293,425, G>A on the plus strand (C>T on the coding strand, the complement: CLPB is on the minus strand). VCF-style: chr11-72293425-G-A. GRCh37 (hg19) VCF-style: chr11-72004469-G-A.
Other names: c.1889C>T, p.Thr630Ile (NM_001258393.3); c.1931C>T, p.Thr644Ile (NM_001258394.3); c.2066C>T, p.Thr689Ile (NM_030813.6); short protein forms T630I, T644I, T689I, T659I.
Identifiers: ClinVar variation 3493856 (VCV003493856.2).

ClinVar aggregate classification (germline): Uncertain significance. Review status: criteria provided, multiple submitters, no conflicts (2 of 4 stars). 2 submissions from 2 submitters: Uncertain significance (2). Last evaluated 2026-02-10.

Conditions:
Inborn genetic diseases. Identifiers: MedGen C0950123, MeSH D030342.

Submissions (2):

Women's Health and Genetics/Laboratory Corporation of America, LabCorp
Classification: Uncertain significance. Last evaluated: 2026-02-10. Review status: criteria provided, single submitter. Criteria: LabCorp Variant Classification Summary - May 2015. Collection method: clinical testing. Allele origin: germline.
Comment: Variant summary: CLPB c.2066C>T (p.Thr689Ile) results in a non-conservative amino acid change in the encoded protein sequence. Algorithms developed to predict the effect of missense changes on protein structure and function are either unavailable or do not agree on the potential impact of this missense change. The variant allele was found at a frequency of 8e-06 in 251416 control chromosomes. The available data on variant occurrences in the general population are insufficient to allow any conclusion about variant significance. To our knowledge, no occurrence of c.2066C>T in individuals affected with CLPB-related conditions and no experimental evidence demonstrating its impact on protein function have been reported. ClinVar contains an entry for this variant (Variation ID: 3493856). Based on the evidence outlined above, the variant was classified as uncertain significance.

Ambry Genetics
Classification: Uncertain significance for Inborn genetic diseases. Last evaluated: 2024-08-10. Review status: criteria provided, single submitter. Criteria: Ambry Variant Classification Scheme 2023. Collection method: clinical testing. Allele origin: germline.